The following is an entry in ClinVar:

NM_005045.4(RELN):c.3022C>T (p.Arg1008Cys)

Gene: RELN (reelin; minus strand). Cytogenetic location: 7q22.1.
Variant type: single nucleotide variant.
Coding change: c.3022C>T on transcript NM_005045.4 (MANE Select); coding-DNA position 3022, C replaced by T.
Protein change: p.Arg1008Cys; replaces arginine 1008 with cysteine.
Molecular consequence: missense variant.
Genome position (GRCh38, 1-based): chr7:103,604,470, G>A on the plus strand (C>T on the coding strand, the complement: RELN is on the minus strand). VCF-style: chr7-103604470-G-A. GRCh37 (hg19) VCF-style: chr7-103244917-G-A.
Other names: c.3022C>T, p.Arg1008Cys (NM_173054.3); short protein forms R1008C.
Identifiers: ClinVar variation 1062712 (VCV001062712.9), dbSNP rs774777246, ClinGen allele CA4421869.

ClinVar aggregate classification (germline): Uncertain significance (1 of 4 stars; one submission).

Conditions:
Norman-Roberts syndrome (LIS2). Also called: Lissencephaly 2 (Norman-Roberts type). Identifiers: Orphanet 89844, MedGen C0796089, MONDO:0009760, OMIM 257320.
Familial temporal lobe epilepsy 7. Identifiers: Orphanet 101046, MedGen C4225327, MONDO:0014639, OMIM 616436.

Allele frequency attached by ClinVar (database versions not stated): gnomAD 0.00001; gnomAD exomes 0.00001 and 0.00003; TOPMed 0.00001; ExAC 0.00004.
gnomAD v4.1: 21 of 1,613,734 alleles (0.0013%); highest among the groups gnomAD compares: Middle Eastern, 0.033%; no homozygotes.

Submission:

Labcorp Genetics (formerly Invitae), Labcorp
Classification: Uncertain significance for Familial temporal lobe epilepsy 7; Norman-Roberts syndrome. Last evaluated: 2023-05-20. Review status: criteria provided, single submitter. Criteria: Invitae Variant Classification Sherloc (09022015). Collection method: clinical testing. Allele origin: germline.
Comment: In summary, the available evidence is currently insufficient to determine the role of this variant in disease. Therefore, it has been classified as a Variant of Uncertain Significance. This variant is present in population databases (rs774777246, gnomAD 0.007%). This variant has not been reported in the literature in individuals affected with RELN-related conditions. ClinVar contains an entry for this variant (Variation ID: 1062712). Advanced modeling of protein sequence and biophysical properties (such as structural, functional, and spatial information, amino acid conservation, physicochemical variation, residue mobility, and thermodynamic stability) performed at Invitae indicates that this missense variant is not expected to disrupt RELN protein function. This sequence change replaces arginine, which is basic and polar, with cysteine, which is neutral and slightly polar, at codon 1008 of the RELN protein (p.Arg1008Cys).